The following is an entry in ClinVar:

ClinVar aggregate classification (germline): Uncertain significance. Review status: criteria provided, multiple submitters, no conflicts (2 of 4 stars). 2 submissions from 2 submitters: Uncertain significance (2). Last evaluated 2024-10-15.

Conditions:
Cardiomyopathy (CMYO). Also called: Cardiomyopathies. Identifiers: Orphanet 167848, MedGen C0878544, MONDO:0004994, HP:0001638. Inheritance: Various modes of inheritance.

Submissions (2):

GeneDx
Classification: Uncertain significance. Last evaluated: 2024-10-15. Review status: criteria provided, single submitter. Criteria: GeneDx Variant Classification Process June 2021. Collection method: clinical testing. Allele origin: germline. Affected: yes.
Comment: Reported in association with HCM, although the individual was not reported to be affected at the time of study (PMID: 34542152); Not observed at significant frequency in large population cohorts (gnomAD); In silico analysis supports that this missense variant has a deleterious effect on protein structure/function; This variant is associated with the following publications: (PMID: 34542152)

Color Diagnostics, LLC DBA Color Health
Classification: Uncertain significance for Cardiomyopathy. Last evaluated: 2023-12-27. Review status: criteria provided, single submitter. Criteria: ACMG Guidelines, 2015. Collection method: clinical testing. Allele origin: germline.
Comment: This missense variant replaces alanine with aspartic acid at codon 1181 of the MYH7 protein. Computational prediction suggests that this variant may have deleterious impact on protein structure and function (internally defined REVEL score threshold >= 0.7, PMID: 27666373). To our knowledge, functional studies have not been reported for this variant. This variant has not been reported in individuals affected with MYH7-related disorders in the literature. This variant has not been identified in the general population by the Genome Aggregation Database (gnomAD). The available evidence is insufficient to determine the role of this variant in disease conclusively. Therefore, this variant is classified as a Variant of Uncertain Significance.

NM_000257.4(MYH7):c.3542C>A (p.Ala1181Asp)

Gene: MYH7 (myosin heavy chain 7; minus strand). Cytogenetic location: 14q11.2.
Variant type: single nucleotide variant.
Coding change: c.3542C>A on transcript NM_000257.4 (MANE Select); coding-DNA position 3542, C replaced by A.
Protein change: p.Ala1181Asp; replaces alanine 1181 with aspartic acid.
Molecular consequence: missense variant.
Genome position (GRCh38, 1-based): chr14:23,420,029, G>T on the plus strand (C>A on the coding strand, the complement: MYH7 is on the minus strand). VCF-style: chr14-23420029-G-T. GRCh37 (hg19) VCF-style: chr14-23889238-G-T.
Other names: c.3542C>A, p.Ala1181Asp (NM_001407004.1); short protein forms A1181D.
Identifiers: ClinVar variation 2773919 (VCV002773919.3), dbSNP rs1248459607, ClinGen allele CA389043537.
Genomic context (GRCh38, chr14:23,420,029, plus strand): 5'-GCCACGCTGTCGGCGTGCTTCTTGCGCAGGGCCGCGGCAGTGGCCTCGTGCTGCAGCGTG[G>T]CCTCCTCCAGGTCCCGCCGCATCTTCTGGAACTCGGCCTCGCGCTTCTTGTTCATCTCGA-3'
Protein context (NP_000248.2, residues 1171-1191): FQKMRRDLEE[Ala1181Asp]TLQHEATAAA